The following is an entry in ClinVar:

NM_000038.6(APC):c.7893C>T (p.Ser2631=)

Gene: APC (APC regulator of Wnt signaling pathway; plus strand). Cytogenetic location: 5q22.2.
Variant type: single nucleotide variant.
Coding change: c.7893C>T on transcript NM_000038.6 (MANE Select); coding-DNA position 7893, C replaced by T.
Protein change: p.Ser2631=; no amino-acid change (serine 2631 retained).
Molecular consequence: synonymous variant.
Genome position (GRCh38, 1-based): chr5:112,843,487, C>T. VCF-style: chr5-112843487-C-T. GRCh37 (hg19) VCF-style: chr5-112179184-C-T.
Other names: c.7893C>T, p.Ser2631= (NM_001127510.3, NM_001354895.2); c.7839C>T, p.Ser2613= (NM_001127511.3); c.7947C>T, p.Ser2649= (NM_001354896.2); c.7923C>T, p.Ser2641= (NM_001354897.2); c.7818C>T, p.Ser2606= (NM_001354898.2); c.7809C>T, p.Ser2603= (NM_001354899.2); c.7770C>T, p.Ser2590= (NM_001354900.2); c.7716C>T, p.Ser2572= (NM_001354901.2); and 5 more.
Identifiers: ClinVar variation 232237 (VCV000232237.22), dbSNP rs876659640, ClinGen allele CA10578455.

ClinVar aggregate classification (germline): Benign/Likely benign. Review status: criteria provided, multiple submitters, no conflicts (2 of 4 stars). 7 submissions from 7 submitters: Benign (1); Likely benign (6). Last evaluated 2026-01-13.

Conditions:
Hereditary cancer-predisposing syndrome. Also called: Neoplastic Syndromes, Hereditary; Tumor predisposition; Hereditary Cancer Syndrome; Hereditary neoplastic syndrome. Identifiers: Orphanet 140162, MedGen C0027672, MeSH D009386, MONDO:0015356.
Familial adenomatous polyposis 1 (FAP1). Also called: FAMILIAL ADENOMATOUS POLYPOSIS 1, ATTENUATED; POLYPOSIS, ADENOMATOUS INTESTINAL. Identifiers: MedGen C2713442, MONDO:0021056, OMIM 175100. Disease mechanism: loss of function.
Classic or attenuated familial adenomatous polyposis. Identifiers: MedGen CN372698, MONDO:0021057.

Allele frequency attached by ClinVar (database versions not stated): gnomAD exomes below 0.00001.
gnomAD v4.1: 2 of 1,613,924 alleles (0.00012%); highest among the groups gnomAD compares: South Asian, 0.0011%; no homozygotes.

Submissions (7):

Labcorp Genetics (formerly Invitae), Labcorp
Classification: Likely benign for Familial adenomatous polyposis 1. Last evaluated: 2026-01-13. Review status: criteria provided, single submitter. Criteria: Invitae Variant Classification Sherloc (09022015). Collection method: clinical testing. Allele origin: germline.

Quest Diagnostics Nichols Institute San Juan Capistrano
Classification: Likely benign. Last evaluated: 2025-02-07. Review status: criteria provided, single submitter. Criteria: Quest Diagnostics criteria. Collection method: clinical testing. Allele origin: unknown.

Myriad Genetics, Inc.
Classification: Benign for Familial adenomatous polyposis 1. Last evaluated: 2024-04-11. Review status: criteria provided, single submitter. Criteria: Myriad Autosomal Dominant, Autosomal Recessive and X-Linked Classification Criteria (2023). Collection method: clinical testing. Allele origin: unknown.
Comment: This variant is considered benign. This variant is a silent/synonymous amino acid change and it is not expected to impact splicing.

All of Us Research Program, National Institutes of Health
Classification: Likely benign for Classic or attenuated familial adenomatous polyposis. Last evaluated: 2023-04-03. Review status: criteria provided, single submitter. Criteria: ACMG Guidelines, 2015. Collection method: clinical testing. Allele origin: germline. Inheritance: Autosomal dominant inheritance. Observed: 1 variant allele, 1 heterozygote.
Comment: This study involves interpretation of variants in research participants for the purpose of population health screening. Participant phenotype was not available at the time of variant classification. Additional details can be found in publication PMID: 35346344, PMCID: PMC8962531

Color Diagnostics, LLC DBA Color Health
Classification: Likely benign for Hereditary cancer-predisposing syndrome. Last evaluated: 2017-08-14. Review status: criteria provided, single submitter. Criteria: ACMG Guidelines, 2015. Collection method: clinical testing. Allele origin: germline.

GeneDx
Classification: Likely benign. Last evaluated: 2016-12-23. Review status: criteria provided, single submitter. Criteria: GeneDx Variant Classification (06012015). Collection method: clinical testing. Allele origin: germline. Affected: yes.
Comment: This variant is considered likely benign or benign based on one or more of the following criteria: it is a conservative change, it occurs at a poorly conserved position in the protein, it is predicted to be benign by multiple in silico algorithms, and/or has population frequency not consistent with disease.

Ambry Genetics
Classification: Likely benign for Hereditary cancer-predisposing syndrome. Last evaluated: 2015-06-03. Review status: criteria provided, single submitter. Criteria: Ambry Variant Classification Scheme 2023. Collection method: clinical testing. Allele origin: germline.